The following is an entry in ClinVar:

ClinVar aggregate classification (germline): Uncertain significance (1 of 4 stars; one submission).

Conditions:
Cohen syndrome (COH1). Also called: PEPPER SYNDROME; Cutis verticis gyrata, retinitis pigmentosa, and sensorineural deafness. Identifiers: Orphanet 193, MedGen C0265223, MONDO:0008999, OMIM 216550.

gnomAD v4.1: 2 of 1,614,012 alleles (0.00012%); highest among the groups gnomAD compares: Non-Finnish European, 0.00017%; no homozygotes.

Submission:

Labcorp Genetics (formerly Invitae), Labcorp
Classification: Uncertain significance for Cohen syndrome. Last evaluated: 2022-06-29. Review status: criteria provided, single submitter. Criteria: Invitae Variant Classification Sherloc (09022015). Collection method: clinical testing. Allele origin: germline.
Comment: This sequence change replaces glutamine, which is neutral and polar, with arginine, which is basic and polar, at codon 2547 of the VPS13B protein (p.Gln2547Arg). This variant is not present in population databases (gnomAD no frequency). This variant has not been reported in the literature in individuals affected with VPS13B-related conditions. Algorithms developed to predict the effect of missense changes on protein structure and function output the following: SIFT: "Not Available"; PolyPhen-2: "Benign"; Align-GVGD: "Not Available". The arginine amino acid residue is found in multiple mammalian species, which suggests that this missense change does not adversely affect protein function. In summary, the available evidence is currently insufficient to determine the role of this variant in disease. Therefore, it has been classified as a Variant of Uncertain Significance.

NM_152564.5(VPS13B):c.7565A>G (p.Gln2522Arg)

Gene: VPS13B (vacuolar protein sorting 13 homolog B; plus strand). Cytogenetic location: 8q22.2.
Variant type: single nucleotide variant.
Coding change: c.7565A>G on transcript NM_152564.5 (MANE Select); coding-DNA position 7565, A replaced by G.
Protein change: p.Gln2522Arg; replaces glutamine 2522 with arginine.
Molecular consequence: missense variant.
Genome position (GRCh38, 1-based): chr8:99,778,817, A>G. VCF-style: chr8-99778817-A-G. GRCh37 (hg19) VCF-style: chr8-100791045-A-G.
Other names: c.7640A>G, p.Gln2547Arg (NM_017890.5); short protein forms Q2522R, Q2547R.
Identifiers: ClinVar variation 2160715 (VCV002160715.1), dbSNP rs2491842490, ClinGen allele CA371876239.